The following is an entry in ClinVar:

NM_001267550.2(TTN):c.71948A>G (p.Glu23983Gly)

Genes: TTN (titin; minus strand), TTN-AS1 (TTN antisense RNA 1; plus strand). Cytogenetic location: 2q31.2.
Variant type: single nucleotide variant.
Coding change: c.71948A>G on transcript NM_001267550.2 (MANE Select); coding-DNA position 71948, A replaced by G.
Protein change: p.Glu23983Gly; replaces glutamic acid 23983 with glycine.
Molecular consequence: missense variant.
Genome position (GRCh38, 1-based): chr2:178,574,184, T>C on the plus strand (A>G on the coding strand, the complement: TTN is on the minus strand). VCF-style: chr2-178574184-T-C. GRCh37 (hg19) VCF-style: chr2-179438911-T-C.
Other names: c.67025A>G, p.Glu22342Gly (NM_001256850.1); c.44753A>G, p.Glu14918Gly (NM_003319.4); c.64244A>G, p.Glu21415Gly (NM_133378.4); c.45128A>G, p.Glu15043Gly (NM_133432.3); c.45329A>G, p.Glu15110Gly (NM_133437.4); short protein forms E14918G, E15043G, E15110G, E21415G, E22342G, E23983G.
Identifiers: ClinVar variation 3390482 (VCV003390482.1).

ClinVar aggregate classification (germline): Uncertain significance (1 of 4 stars; one submission).

gnomAD v4.1: 5 of 1,613,430 alleles (0.00031%); highest among the groups gnomAD compares: Non-Finnish European, 0.00042%; no homozygotes.

Submission:

GeneDx
Classification: Uncertain significance. Last evaluated: 2024-06-12. Review status: criteria provided, single submitter. Criteria: GeneDx Variant Classification Process June 2021. Collection method: clinical testing. Allele origin: germline. Affected: yes.
Comment: Not observed at significant frequency in large population cohorts (gnomAD); Missense variant in a gene in which most reported pathogenic variants are truncating/loss of function; Has not been previously published as pathogenic or benign to our knowledge